The following is an entry in ClinVar:

ClinVar aggregate classification (germline): Uncertain significance (1 of 4 stars; one submission).

Allele frequency attached by ClinVar (database versions not stated): TOPMed below 0.00001.

Submission:

GeneDx
Classification: Uncertain significance. Last evaluated: 2022-04-06. Review status: criteria provided, single submitter. Criteria: GeneDx Variant Classification Process June 2021. Collection method: clinical testing. Allele origin: germline. Affected: yes.
Comment: Not observed at significant frequency in large population cohorts (gnomAD); In silico analysis supports that this missense variant does not alter protein structure/function; Has not been previously published as pathogenic or benign to our knowledge

NM_015215.4(CAMTA1):c.1721G>C (p.Gly574Ala)

Gene: CAMTA1 (calmodulin binding transcription activator 1; plus strand). Cytogenetic location: 1p36.23.
Variant type: single nucleotide variant.
Coding change: c.1721G>C on transcript NM_015215.4 (MANE Select); coding-DNA position 1721, G replaced by C.
Protein change: p.Gly574Ala; replaces glycine 574 with alanine.
Molecular consequence: missense variant.
Genome position (GRCh38, 1-based): chr1:7,664,268, G>C. VCF-style: chr1-7664268-G-C. GRCh37 (hg19) VCF-style: chr1-7724328-G-C.
Other names: c.1631G>C, p.Gly544Ala (NM_001349608.2, NM_001349612.2); c.1721G>C, p.Gly574Ala (NM_001349609.2, NM_001349610.2, NM_001410737.1); c.1649G>C, p.Gly550Ala (NM_001410738.1); short protein forms G544A, G550A, G574A.
Identifiers: ClinVar variation 1708710 (VCV001708710.2), dbSNP rs2095984138, ClinGen allele CA338129564.
Genomic context (GRCh38, chr1:7,664,268, plus strand): 5'-CTGTGGCAGCCAGCTCCCTCACCCTGACCGCCGGCTCCAGCCTCCTGCCGTCGGGCGGCG[G>C]CCTGAGTCCCAGCACCACCCTGGAGCAGATGGACTTCAGCGCCATCGACTCCAACAAGGA-3'
Protein context (NP_056030.1, residues 564-584): AGSSLLPSGG[Gly574Ala]LSPSTTLEQM